The following is an entry in ClinVar:

ClinVar aggregate classification (germline): Benign/Likely benign. Review status: criteria provided, multiple submitters, no conflicts (2 of 4 stars). 19 submissions from 19 submitters: Benign (7); Likely benign (10). 2 of the submissions do not count toward it. Last evaluated 2026-07-10.

Conditions:
Hereditary nonpolyposis colon cancer (HNPCC). Also called: Hereditary Nonpolyposis Colorectal Cancer Syndrome; Hereditary nonpolyposis colorectal cancer; Familial nonpolyposis colon cancer. Identifiers: Orphanet 443909, MedGen C1333990, MONDO:0018630. Disease mechanism: loss of function.
Coffin-Siris syndrome. Identifiers: Orphanet 1465, MedGen C0265338, MONDO:0015452.
Hereditary cancer-predisposing syndrome. Also called: Hereditary Cancer Syndrome; Tumor predisposition; Hereditary neoplastic syndrome; Neoplastic Syndromes, Hereditary. Identifiers: Orphanet 140162, MedGen C0027672, MeSH D009386, MONDO:0015356.
Intellectual disability, autosomal dominant 16 (CSS4). Also called: COFFIN-SIRIS SYNDROME 4. Identifiers: Orphanet 1465, MedGen C3553249, MONDO:0013821, OMIM 614609.
Rhabdoid tumor predisposition syndrome 2 (RTPS2). Identifiers: Orphanet 231108, Orphanet 69077, MedGen C2750074, MONDO:0013224, OMIM 613325.

Allele frequency attached by ClinVar (database versions not stated): ESP Exome Variant Server 0.00123; gnomAD 0.00123 and 0.00128; gnomAD exomes 0.00098 and 0.00160; TOPMed 0.00109; ExAC 0.00165.
gnomAD v4.1: 2,470 of 1,582,382 alleles (0.16%); highest among the groups gnomAD compares: Non-Finnish European, 0.19%; 3 homozygotes.

Submissions (19):

Myriad Genetics, Inc.
Classification: Benign for Rhabdoid tumor predisposition syndrome 2. Last evaluated: 2026-07-10. Review status: criteria provided, single submitter. Criteria: Myriad Autosomal Dominant, Autosomal Recessive and X-Linked Classification Criteria (2023). Collection method: clinical testing. Allele origin: unknown.
Comment: This variant is considered benign. This variant is intronic and is not expected to impact mRNA splicing. This variant has been observed at a population frequency that is significantly greater than expected given the associated disease prevalence and penetrance.

CeGaT Center for Human Genetics Tuebingen
Classification: Likely benign. Last evaluated: 2026-07-01. Review status: criteria provided, single submitter. Criteria: CeGaT Center For Human Genetics Tuebingen Variant Classification Criteria Version 2. Collection method: clinical testing. Allele origin: germline. Affected: yes. Observed: 11 variant alleles.
Comment: SMARCA4: BS1

Labcorp Genetics (formerly Invitae), Labcorp
Classification: Benign for Rhabdoid tumor predisposition syndrome 2. Last evaluated: 2026-02-04. Review status: criteria provided, single submitter. Criteria: Invitae Variant Classification Sherloc (09022015). Collection method: clinical testing. Allele origin: germline.

Blueprint Genetics
Classification: Likely benign. Last evaluated: 2024-11-25. Review status: criteria provided, single submitter. Criteria: ACMG Guidelines, 2015. Collection method: clinical testing. Allele origin: germline.

ARUP Laboratories, Molecular Genetics and Genomics, ARUP Laboratories
Classification: Likely benign. Last evaluated: 2024-07-26. Review status: criteria provided, single submitter. Criteria: ARUP Molecular Germline Variant Investigation Process 2024. Collection method: clinical testing. Allele origin: germline.

Department of Pathology and Laboratory Medicine, Sinai Health System
Classification: Likely benign for hereditary nonpolyposis colon cancer. Last evaluated: 2023-05-18. Review status: criteria provided, single submitter. Criteria: ACMG Guidelines, 2015. Collection method: clinical testing. Allele origin: germline. Affected: yes.

Institute of Human Genetics, FAU Erlangen, Friedrich-Alexander-Universität Erlangen-Nürnberg
Classification: Likely benign. Last evaluated: 2023-03-21. Review status: criteria provided, single submitter. Criteria: Hauer et al. (Genet Med. 2018). Collection method: clinical testing. Allele origin: germline. Inheritance: Autosomal dominant inheritance. Affected: yes. Observed: 2 variant alleles.
Comment: This variant has been identified by standard clinical testing.

Fulgent Genetics
Classification: Likely benign for Rhabdoid tumor predisposition syndrome 2; Intellectual disability, autosomal dominant 16. Last evaluated: 2021-08-25. Review status: criteria provided, single submitter. Criteria: ACMG Guidelines, 2015. Collection method: clinical testing. Allele origin: unknown.

Genome-Nilou Lab
Classification: Benign for Intellectual disability, autosomal dominant 16. Last evaluated: 2021-07-15. Review status: criteria provided, single submitter. Criteria: ACMG Guidelines, 2015. Collection method: clinical testing. Allele origin: germline. Affected: no.

Sema4
Classification: Benign for Hereditary cancer-predisposing syndrome. Last evaluated: 2020-11-18. Review status: criteria provided, single submitter. Criteria: Sema4 Curation Guidelines. Collection method: curation. Allele origin: germline.

Mendelics
Classification: Benign for Rhabdoid tumor predisposition syndrome 2. Last evaluated: 2019-05-28. Review status: criteria provided, single submitter. Criteria: Mendelics Assertion Criteria 2017. Collection method: clinical testing. Allele origin: unknown.

Illumina Laboratory Services, Illumina
Classification: Benign for Coffin-Siris syndrome. Last evaluated: 2018-01-12. Review status: criteria provided, single submitter. Criteria: ICSL Variant Classification Criteria 13 December 2019. Collection method: clinical testing. Allele origin: germline.
Comment: This variant was observed in the ICSL laboratory as part of a predisposition screen in an ostensibly healthy population. It had not been previously curated by ICSL or reported in the Human Gene Mutation Database (HGMD: prior to June 1st, 2018), and was therefore a candidate for classification through an automated scoring system. Utilizing variant allele frequency, disease prevalence and penetrance estimates, and inheritance mode, an automated score was calculated to assess if this variant is too frequent to cause the disease. Based on the score and internal cut-off values, a variant classified as benign is not then subjected to further curation. The score for this variant resulted in a classification of benign for this disease.

GeneDx
Classification: Likely benign. Last evaluated: 2017-08-25. Review status: criteria provided, single submitter. Criteria: GeneDx Variant Classification (06012015). Collection method: clinical testing. Allele origin: germline. Affected: yes.
Comment: This variant is considered likely benign or benign based on one or more of the following criteria: it is a conservative change, it occurs at a poorly conserved position in the protein, it is predicted to be benign by multiple in silico algorithms, and/or has population frequency not consistent with disease.

Center for Pediatric Genomic Medicine, Children's Mercy Hospital and Clinics
Classification: Benign. Last evaluated: 2017-03-08. Review status: criteria provided, single submitter. Criteria: ACMG Guidelines, 2015. Collection method: clinical testing. Allele origin: germline.

Genetic Services Laboratory, University of Chicago
Classification: Likely benign. Last evaluated: 2016-12-16. Review status: criteria provided, single submitter. Criteria: ACMG Guidelines, 2015. Collection method: clinical testing. Allele origin: germline. Affected: no.

Ambry Genetics
Classification: Likely benign for Hereditary cancer-predisposing syndrome. Last evaluated: 2015-07-23. Review status: criteria provided, single submitter. Criteria: Ambry Variant Classification Scheme 2023. Collection method: clinical testing. Allele origin: germline.

Breakthrough Genomics
Classification: Likely benign. Review status: criteria provided, single submitter. Criteria: ACMG Guidelines, 2015. Collection method: not provided. Allele origin: germline. Inheritance: Autosomal dominant inheritance. Affected: yes.

Clinical Genetics DNA and cytogenetics Diagnostics Lab, Erasmus MC, Erasmus Medical Center
Classification: Likely benign. Review status: no assertion criteria provided. Collection method: clinical testing. Allele origin: germline. Affected: yes. Study: VKGL Data-share Consensus. Not counted in ClinVar's aggregate classification.

Laboratory of Diagnostic Genome Analysis, Leiden University Medical Center (LUMC)
Classification: Likely benign. Review status: no assertion criteria provided. Collection method: clinical testing. Allele origin: germline. Affected: yes. Study: VKGL Data-share Consensus. Not counted in ClinVar's aggregate classification.

NM_003072.5(SMARCA4):c.1419+9C>T

Gene: SMARCA4 (SWI/SNF related BAF chromatin remodeling complex subunit ATPase 4; plus strand). Cytogenetic location: 19p13.2.
Variant type: single nucleotide variant.
Coding change: c.1419+9C>T on transcript NM_003072.5 (MANE Select); 9 bases into the intron after coding-DNA position 1419, C replaced by T.
Molecular consequence: intron variant.
Genome position (GRCh38, 1-based): chr19:10,991,332, C>T. VCF-style: chr19-10991332-C-T. GRCh37 (hg19) VCF-style: chr19-11102008-C-T.
Other names: c.1419+9C>T (NM_001128844.3, NM_001128849.3, NM_001128847.4 and 6 more transcripts).
Identifiers: ClinVar variation 238375 (VCV000238375.59), dbSNP rs374635008, ClinGen allele CA9203767.